The following is an entry in ClinVar:

ClinVar aggregate classification (germline): Likely pathogenic. Review status: criteria provided, multiple submitters, no conflicts (2 of 4 stars). 2 submissions from 2 submitters: Likely pathogenic (2). Last evaluated 2026-06-01.

Conditions:
Coffin-Siris syndrome 10. Also called: INTELLECTUAL DEVELOPMENTAL DISORDER WITH SPEECH DELAY AND DYSMORPHIC FACIES. Identifiers: MedGen C4760583, MONDO:0032791, OMIM 618506.

Submissions (2):

CeGaT Center for Human Genetics Tuebingen
Classification: Likely pathogenic. Last evaluated: 2026-06-01. Review status: criteria provided, single submitter. Criteria: CeGaT Center For Human Genetics Tuebingen Variant Classification Criteria Version 2. Collection method: clinical testing. Allele origin: germline. Affected: yes. Observed: 1 variant allele.
Comment: SOX4: PVS1:Strong, PM2

Dasa
Classification: Likely pathogenic for Coffin-Siris syndrome 10. Last evaluated: 2025-06-23. Review status: criteria provided, single submitter. Criteria: DASA Assertion Criteria. Collection method: clinical testing. Allele origin: germline.
Comment: NM_003107.3(SOX4):c.721C>T (p.Gln241*) is a nonsense variant in SOX4 predicted to introduce a premature termination codon and is predicted to result in an absent or altered protein product. Loss of function is an established disease mechanism for SOX4-associated disorders. Also, this variant is absent from population databases. Based on the currently available evidence, this variant is classified as likely pathogenic.

NM_003107.3(SOX4):c.721C>T (p.Gln241Ter)

Gene: SOX4 (SRY-box transcription factor 4; plus strand). Cytogenetic location: 6p22.3.
Variant type: single nucleotide variant.
Coding change: c.721C>T on transcript NM_003107.3 (MANE Select); coding-DNA position 721, C replaced by T.
Protein change: p.Gln241Ter; replaces glutamine 241 with a stop codon.
Molecular consequence: nonsense.
Genome position (GRCh38, 1-based): chr6:21,595,255, C>T. VCF-style: chr6-21595255-C-T. GRCh37 (hg19) VCF-style: chr6-21595486-C-T.
Other names: short protein forms Q241*.
Identifiers: ClinVar variation 4875432 (VCV004875432.4).